The following is an entry in ClinVar:

NM_003002.4(SDHD):c.360G>A (p.Leu120=)

Gene: SDHD (succinate dehydrogenase complex subunit D; plus strand). Cytogenetic location: 11q23.1.
Variant type: single nucleotide variant.
Coding change: c.360G>A on transcript NM_003002.4 (MANE Select); coding-DNA position 360, G replaced by A.
Protein change: p.Leu120=; no amino-acid change (leucine 120 retained).
Molecular consequence: synonymous variant. On other transcripts: missense variant (1), 3 prime UTR variant (1), non-coding transcript variant (1).
Genome position (GRCh38, 1-based): chr11:112,094,850, G>A. VCF-style: chr11-112094850-G-A. GRCh37 (hg19) VCF-style: chr11-111965574-G-A.
Other names: c.215G>A, p.Cys72Tyr (NM_001276503.2); c.243G>A, p.Leu81= (NM_001276504.2); c.*58G>A (NM_001276506.2); short protein forms C72Y.
Identifiers: ClinVar variation 3904627 (VCV003904627.1).
Genomic context (GRCh38, chr11:112,094,850, plus strand): 5'-TTTCTTTTTCTTTAGGGGCCTTGGACAAGTTGTTACTGACTATGTTCATGGGGATGCCTT[G>A]CAGAAAGCTGCCAAGGCAGGGCTTTTGGCACTTTCAGCTTTAACCTTTGCTGGGCTTTGC-3'
Protein context (NP_002993.1, residues 110-130): VVTDYVHGDA[Leu120=]QKAAKAGLLA

ClinVar aggregate classification (germline): Benign (1 of 4 stars; one submission).

Conditions:
Pheochromocytoma/paraganglioma syndrome 1. Also called: PARAGANGLIOMAS, FAMILIAL NONCHROMAFFIN, 1; PGL 1; Paragangliomas familial 1; PARAGANGLIOMATA; Paragangliomas 1; Glomus tumors familial 1. Identifiers: Orphanet 29072, MedGen C3494181, MONDO:0008192, OMIM 168000.

gnomAD v4.1: 1 of 1,611,980 alleles (0.000062%); no homozygotes.

Submission:

Myriad Genetics, Inc.
Classification: Benign for Pheochromocytoma/paraganglioma syndrome 1. Last evaluated: 2025-03-18. Review status: criteria provided, single submitter. Criteria: Myriad Autosomal Dominant, Autosomal Recessive and X-Linked Classification Criteria (2023). Collection method: clinical testing. Allele origin: unknown.
Comment: This variant is considered benign. This variant is a silent/synonymous amino acid change and it is not expected to impact splicing.